The following is an entry in ClinVar:

ClinVar aggregate classification (germline): Uncertain significance (1 of 4 stars; one submission).

Conditions:
Dilated cardiomyopathy 1CC (CMD1CC). Identifiers: Orphanet 154, MedGen C2751084, MONDO:0013147, OMIM 613122.
Hypertrophic cardiomyopathy 20. Identifiers: MedGen C3151267, MONDO:0013477, OMIM 613876.

Allele frequency attached by ClinVar (database versions not stated): gnomAD exomes below 0.00001.
gnomAD v4.1: 1 of 1,613,640 alleles (0.000062%); highest among the groups gnomAD compares: South Asian, 0.0011%; no homozygotes.

Submission:

Labcorp Genetics (formerly Invitae), Labcorp
Classification: Uncertain significance for Dilated cardiomyopathy 1CC; Hypertrophic cardiomyopathy 20. Last evaluated: 2025-02-05. Review status: criteria provided, single submitter. Criteria: Invitae Variant Classification Sherloc (09022015). Collection method: clinical testing. Allele origin: germline.
Comment: This sequence change replaces threonine, which is neutral and polar, with serine, which is neutral and polar, at codon 250 of the NEXN protein (p.Thr250Ser). This variant is not present in population databases (gnomAD no frequency). This variant has not been reported in the literature in individuals affected with NEXN-related conditions. ClinVar contains an entry for this variant (Variation ID: 936992). Invitae Evidence Modeling of protein sequence and biophysical properties (such as structural, functional, and spatial information, amino acid conservation, physicochemical variation, residue mobility, and thermodynamic stability) indicates that this missense variant is not expected to disrupt NEXN protein function with a negative predictive value of 80%. In summary, the available evidence is currently insufficient to determine the role of this variant in disease. Therefore, it has been classified as a Variant of Uncertain Significance.

NM_144573.4(NEXN):c.749C>G (p.Thr250Ser)

Gene: NEXN (nexilin F-actin binding protein; plus strand). Cytogenetic location: 1p31.1.
Variant type: single nucleotide variant.
Coding change: c.749C>G on transcript NM_144573.4 (MANE Select); coding-DNA position 749, C replaced by G.
Protein change: p.Thr250Ser; replaces threonine 250 with serine.
Molecular consequence: missense variant.
Genome position (GRCh38, 1-based): chr1:77,926,777, C>G. VCF-style: chr1-77926777-C-G. GRCh37 (hg19) VCF-style: chr1-78392462-C-G.
Other names: c.557C>G, p.Thr186Ser (NM_001172309.2); short protein forms T250S, T186S.
Identifiers: ClinVar variation 936992 (VCV000936992.9), dbSNP rs1649881678, ClinGen allele CA340873864.